The following is an entry in ClinVar:

NM_001367624.2(ZNF469):c.3989C>T (p.Pro1330Leu)

Gene: ZNF469 (zinc finger protein 469; plus strand). Cytogenetic location: 16q24.2.
Variant type: single nucleotide variant.
Coding change: c.3989C>T on transcript NM_001367624.2 (MANE Select); coding-DNA position 3989, C replaced by T.
Protein change: p.Pro1330Leu; replaces proline 1330 with leucine.
Molecular consequence: missense variant.
Genome position (GRCh38, 1-based): chr16:88,431,459, C>T. VCF-style: chr16-88431459-C-T. GRCh37 (hg19) VCF-style: chr16-88497867-C-T.
Other names: NM_001127464.1:c.3905C>T; short protein forms P1330L.
Identifiers: ClinVar variation 1736055 (VCV001736055.3), dbSNP rs919595948, ClinGen allele CA286375488.

ClinVar aggregate classification (germline): Uncertain significance (1 of 4 stars; one submission).

Conditions:
Cardiovascular phenotype. Identifiers: MedGen CN230736.

Allele frequency attached by ClinVar (database versions not stated): gnomAD 0.00001; TOPMed 0.00002.
gnomAD v4.1: 4 of 1,550,274 alleles (0.00026%); highest among the groups gnomAD compares: African/African-American, 0.0055%; no homozygotes.

Submission:

Ambry Genetics
Classification: Uncertain significance for Cardiovascular phenotype. Last evaluated: 2024-09-04. Review status: criteria provided, single submitter. Criteria: Ambry Variant Classification Scheme 2023. Collection method: clinical testing. Allele origin: germline.
Comment: The p.P1302L variant (also known as c.3905C>T), located in coding exon 2 of the ZNF469 gene, results from a C to T substitution at nucleotide position 3905. The proline at codon 1302 is replaced by leucine, an amino acid with similar properties. This amino acid position is conserved. In addition, this alteration is predicted to be tolerated by in silico analysis. Since supporting evidence is limited at this time, the clinical significance of this alteration remains unclear.